The following is an entry in ClinVar:

ClinVar aggregate classification (germline): Uncertain significance (1 of 4 stars; one submission).

gnomAD v4.1: 2 of 1,582,574 alleles (0.00013%); highest among the groups gnomAD compares: Admixed American, 0.0018%; no homozygotes.

Submission:

Labcorp Genetics (formerly Invitae), Labcorp
Classification: Uncertain significance. Last evaluated: 2024-10-18. Review status: criteria provided, single submitter. Criteria: Invitae Variant Classification Sherloc (09022015). Collection method: clinical testing. Allele origin: germline.
Comment: This sequence change replaces alanine, which is neutral and non-polar, with threonine, which is neutral and polar, at codon 4152 of the FAT4 protein (p.Ala4152Thr). The frequency data for this variant in the population databases is considered unreliable, as metrics indicate poor data quality at this position in the gnomAD database. This variant has not been reported in the literature in individuals affected with FAT4-related conditions. Invitae Evidence Modeling of protein sequence and biophysical properties (such as structural, functional, and spatial information, amino acid conservation, physicochemical variation, residue mobility, and thermodynamic stability) indicates that this missense variant is not expected to disrupt FAT4 protein function with a negative predictive value of 95%. In summary, the available evidence is currently insufficient to determine the role of this variant in disease. Therefore, it has been classified as a Variant of Uncertain Significance.

NM_001291303.3(FAT4):c.12460G>A (p.Ala4154Thr)

Gene: FAT4 (FAT atypical cadherin 4; plus strand). Cytogenetic location: 4q28.1.
Variant type: single nucleotide variant.
Coding change: c.12460G>A on transcript NM_001291303.3 (MANE Select); coding-DNA position 12460, G replaced by A.
Protein change: p.Ala4154Thr; replaces alanine 4154 with threonine.
Molecular consequence: missense variant.
Genome position (GRCh38, 1-based): chr4:125,477,315, G>A. VCF-style: chr4-125477315-G-A. GRCh37 (hg19) VCF-style: chr4-126398470-G-A.
Other names: c.12460G>A, p.Ala4154Thr (NM_001291285.3); c.12454G>A, p.Ala4152Thr (NM_024582.6); short protein forms A4154T, A4152T.
Identifiers: ClinVar variation 3637031 (VCV003637031.2).